The following is an entry in ClinVar:

NM_001194.4(HCN2):c.110C>T (p.Pro37Leu)

Gene: HCN2 (hyperpolarization activated cyclic nucleotide gated potassium and sodium channel 2; plus strand). Cytogenetic location: 19p13.3.
Variant type: single nucleotide variant.
Coding change: c.110C>T on transcript NM_001194.4 (MANE Select); coding-DNA position 110, C replaced by T.
Protein change: p.Pro37Leu; replaces proline 37 with leucine.
Molecular consequence: missense variant.
Genome position (GRCh38, 1-based): chr19:590,055, C>T. VCF-style: chr19-590055-C-T. GRCh37 (hg19) VCF-style: chr19-590055-C-T.
Other names: short protein forms P37L.
Identifiers: ClinVar variation 4880918 (VCV004880918.2).

ClinVar aggregate classification (germline): Uncertain significance (1 of 4 stars; one submission).

gnomAD v4.1: 3 of 664,234 alleles (0.00045%); highest among the groups gnomAD compares: Non-Finnish European, 0.00055%; no homozygotes.

Submission:

Dasa
Classification: Uncertain significance. Last evaluated: 2024-10-10. Review status: criteria provided, single submitter. Criteria: DASA Assertion Criteria. Collection method: clinical testing. Allele origin: germline.
Comment: NM_001194.4(HCN2):c.110C>T (p.Pro37Leu) is a missense variant that results in the substitution of proline with leucine. This variant is rare in population databases. Computational prediction algorithms are consistent with a benign effect. The currently available literature and clinical evidence are not sufficient to establish a definitive association between this variant and the reported condition. Therefore, this variant is classified as a variant of uncertain significance.